The following is an entry in ClinVar:

NM_000431.4(MVK):c.1132T>C (p.Ser378Pro)

Gene: MVK (mevalonate kinase; plus strand). Cytogenetic location: 12q24.11.
Variant type: single nucleotide variant.
Coding change: c.1132T>C on transcript NM_000431.4 (MANE Select); coding-DNA position 1132, T replaced by C.
Protein change: p.Ser378Pro; replaces serine 378 with proline.
Molecular consequence: missense variant.
Genome position (GRCh38, 1-based): chr12:109,596,518, T>C. VCF-style: chr12-109596518-T-C. GRCh37 (hg19) VCF-style: chr12-110034323-T-C.
Other names: c.1132T>C, p.Ser378Pro (NM_001114185.3); c.976T>C, p.Ser326Pro (NM_001301182.2); short protein forms S378P, S326P.
Identifiers: ClinVar variation 97568 (VCV000097568.1), dbSNP rs104895349, ClinGen allele CA149783.

ClinVar aggregate classification (germline): not provided (0 of 4 stars; one submission).

Conditions:
Hyperimmunoglobulin D with periodic fever (HIDS). Also called: HYPERIMMUNOGLOBULINEMIA D AND PERIODIC FEVER SYNDROME; Hyperimmunoglobulinemia D; Hyperimmunoglobulinemia D with periodic fever. Identifiers: Orphanet 343, MedGen C0398691, MONDO:0009849, OMIM 260920.

Submission:

Unité médicale des maladies autoinflammatoires, CHRU Montpellier
No classification provided. Condition: Hyperimmunoglobulin D with periodic fever. Review status: no classification provided. Collection method: not provided. Allele origin: unknown.
Comment: also involved in OMIM 25117